The following is an entry in ClinVar:

ClinVar aggregate classification (germline): Uncertain significance (1 of 4 stars; one submission).

Submission:

Ambry Genetics
Classification: Uncertain significance. Last evaluated: 2021-09-04. Review status: criteria provided, single submitter. Criteria: Ambry Variant Classification Scheme 2023. Collection method: clinical testing. Allele origin: germline.
Comment: The p.T2498P variant (also known as c.7492A>C), located in coding exon 28 of the POLQ gene, results from an A to C substitution at nucleotide position 7492. The threonine at codon 2498 is replaced by proline, an amino acid with highly similar properties. This amino acid position is conserved. In addition, the in silico prediction for this alteration is inconclusive. Since supporting evidence is limited at this time, the clinical significance of this alteration remains unclear.

NM_199420.4(POLQ):c.7492A>C (p.Thr2498Pro)

Gene: POLQ (DNA polymerase theta; minus strand). Cytogenetic location: 3q13.33.
Variant type: single nucleotide variant.
Coding change: c.7492A>C on transcript NM_199420.4 (MANE Select); coding-DNA position 7492, A replaced by C.
Protein change: p.Thr2498Pro; replaces threonine 2498 with proline.
Molecular consequence: missense variant.
Genome position (GRCh38, 1-based): chr3:121,436,173, T>G on the plus strand (A>C on the coding strand, the complement: POLQ is on the minus strand). VCF-style: chr3-121436173-T-G. GRCh37 (hg19) VCF-style: chr3-121155020-T-G.
Other names: short protein forms T2498P.
Identifiers: ClinVar variation 1759165 (VCV001759165.2), dbSNP rs2546747229, ClinGen allele CA354095772.
Genomic context (GRCh38, chr3:121,436,173, plus strand): 5'-TGAACAAACCTGTTTGGTCACTTTGGAGCATACCCTCTCGATGACCATGGGATTTGAAGG[T>G]TGAGTGGAAGGTCTCTAATTGCTTCTGAATGTTAACTGTGGCTATTTTGACAATATCAGC-3'
Protein context (NP_955452.3, residues 2488-2508): IQKQLETFHS[Thr2498Pro]FKSHGHREGM